The following is an entry in ClinVar:

ClinVar aggregate classification (germline): Uncertain significance. Review status: criteria provided, multiple submitters, no conflicts (2 of 4 stars). 2 submissions from 2 submitters: Uncertain significance (2). Last evaluated 2024-11-01.

Conditions:
Hereditary cancer-predisposing syndrome. Also called: Neoplastic Syndromes, Hereditary; Tumor predisposition; Hereditary neoplastic syndrome; Hereditary Cancer Syndrome. Identifiers: Orphanet 140162, MedGen C0027672, MeSH D009386, MONDO:0015356.

Submissions (2):

Ambry Genetics
Classification: Uncertain significance for Hereditary cancer-predisposing syndrome. Last evaluated: 2024-11-01. Review status: criteria provided, single submitter. Criteria: Ambry Variant Classification Scheme 2023. Collection method: clinical testing. Allele origin: germline.
Comment: The p.A1306V variant (also known as c.3917C>T), located in coding exon 9 of the MSH6 gene, results from a C to T substitution at nucleotide position 3917. The alanine at codon 1306 is replaced by valine, an amino acid with similar properties. This amino acid position is highly conserved in available vertebrate species. In addition, this alteration is predicted to be deleterious by in silico analysis. Based on the available evidence, the clinical significance of this variant remains unclear.

Women's Health and Genetics/Laboratory Corporation of America, LabCorp
Classification: Uncertain significance. Last evaluated: 2022-09-26. Review status: criteria provided, single submitter. Criteria: LabCorp Variant Classification Summary - May 2015. Collection method: clinical testing. Allele origin: germline.
Comment: Variant summary: MSH6 c.3917C>T (p.Ala1306Val) results in a non-conservative amino acid change located in the DNA mismatch repair protein MutS, C-terminal domain (IPR000432) of the encoded protein sequence. Five of five in-silico tools predict a damaging effect of the variant on protein function. The variant was absent in 250380 control chromosomes (gnomAD). The available data on variant occurrences in the general population are insufficient to allow any conclusion about variant significance. To our knowledge, no occurrence of c.3917C>T in individuals affected with Lynch Syndrome and no experimental evidence demonstrating its impact on protein function have been reported. No clinical diagnostic laboratories have submitted clinical-significance assessments for this variant to ClinVar after 2014. Based on the evidence outlined above, the variant was classified as uncertain significance.

NM_000179.3(MSH6):c.3917C>T (p.Ala1306Val)

Gene: MSH6 (mutS homolog 6; plus strand). Cytogenetic location: 2p16.3.
Variant type: single nucleotide variant.
Coding change: c.3917C>T on transcript NM_000179.3 (MANE Select); coding-DNA position 3917, C replaced by T.
Protein change: p.Ala1306Val; replaces alanine 1306 with valine.
Molecular consequence: missense variant. On other transcripts: synonymous variant (1).
Genome position (GRCh38, 1-based): chr2:47,806,567, C>T. VCF-style: chr2-47806567-C-T. GRCh37 (hg19) VCF-style: chr2-48033706-C-T.
Other names: c.3527C>T, p.Ala1176Val (NM_001281492.2); c.3011C>T, p.Ala1004Val (NM_001281493.2, NM_001281494.2, NM_001406811.1 and 6 more transcripts); c.4013C>T, p.Ala1338Val (NM_001406795.1); c.3917C>T, p.Ala1306Val (NM_001406796.1, NM_001406808.1, NM_001406809.1); c.3620C>T, p.Ala1207Val (NM_001406797.1, NM_001406801.1, NM_001406805.1 and 10 more transcripts); c.3743C>T, p.Ala1248Val (NM_001406798.1); c.3392C>T, p.Ala1131Val (NM_001406799.1, NM_001406806.1, NM_001406807.1); c.3904C>T, p.Leu1302= (NM_001406800.1); and 8 more; short protein forms A1004V, A1018V, A1131V, A1176V, A1207V, A1248V, A1250V, A1280V.
Identifiers: ClinVar variation 1722334 (VCV001722334.2), dbSNP rs2104560696, ClinGen allele CA346761455.
Genomic context (GRCh38, chr2:47,806,567, plus strand): 5'-TCTATAAATTCATTAAGGGAGCTTGTCCTAAAAGCTATGGCTTTAATGCAGCAAGGCTTG[C>T]TAATCTCCCAGAGGAAGTTATTCAAAAGGGACATAGAAAAGCAAGAGAATTTGAGAAGAT-3'
Protein context (NP_000170.1, residues 1296-1316): KSYGFNAARL[Ala1306Val]NLPEEVIQKG